The following is an entry in ClinVar:

NM_032635.4(TMEM147):c.551+1G>T

Gene: TMEM147 (transmembrane protein 147; plus strand). Cytogenetic location: 19q13.12.
Variant type: single nucleotide variant.
Coding change: c.551+1G>T on transcript NM_032635.4 (MANE Select); the canonical splice donor site of the intron after coding-DNA position 551, G replaced by T.
Molecular consequence: splice donor variant.
Genome position (GRCh38, 1-based): chr19:35,547,241, G>T. VCF-style: chr19-35547241-G-T. GRCh37 (hg19) VCF-style: chr19-36038143-G-T.
Other names: c.404+1G>T (NM_001242597.2); c.329+1G>T (NM_001242598.2).
Identifiers: ClinVar variation 4538506 (VCV004538506.4).

ClinVar aggregate classification (germline): Conflicting classifications of pathogenicity. Review status: criteria provided, conflicting classifications (1 of 4 stars). 2 submissions from 2 submitters: Likely pathogenic (1); Uncertain significance (1). Last evaluated 2025-11-28.

Conditions:
Neurodevelopmental disorder with facial dysmorphism, absent language, and pseudo-pelger-huet anomaly. Identifiers: Orphanet 698085, MedGen C5774232, MONDO:0859298, OMIM 620075.

Submissions (2):

The Central Laboratory of Birth Defects Prevention and Control, The Affiliated Women and Children's Hospital of Ningbo University
Classification: Likely pathogenic for Neurodevelopmental disorder with facial dysmorphism, absent language, and pseudo-pelger-huet anomaly. Last evaluated: 2025-11-28. Review status: criteria provided, single submitter. Criteria: ACMG Guidelines, 2015. Collection method: clinical testing. Allele origin: biparental. Affected: yes.
Comment: The TMEM147 c.551+1G>T variant was not observed at significant frequency in large population cohorts (gnomAD). This variant is located in intron 6 of NM_032635.4 transcript. Algorithms developed to predict the effect of sequence changes on RNA splicing suggest that this variant may damage reading frame. Based on the available evidence, this alteration is classified as Likely Pathogenic.

Juno Genomics, Hangzhou Juno Genomics, Inc
Classification: Uncertain significance for Neurodevelopmental disorder with facial dysmorphism, absent language, and pseudo-pelger-huet anomaly. Review status: criteria provided, single submitter. Criteria: ACMG Guidelines, 2015. Collection method: clinical testing. Allele origin: germline.
Comment: Absent from controls (or at extremely low frequency if recessive) in Genome Aggregation Database.